The following is an entry in ClinVar:

NM_058216.3(RAD51C):c.929C>T (p.Thr310Ile)

Gene: RAD51C (RAD51 paralog C; plus strand). Cytogenetic location: 17q22.
Variant type: single nucleotide variant.
Coding change: c.929C>T on transcript NM_058216.3 (MANE Select); coding-DNA position 929, C replaced by T.
Protein change: p.Thr310Ile; replaces threonine 310 with isoleucine.
Molecular consequence: missense variant. On other transcripts: non-coding transcript variant (1).
Genome position (GRCh38, 1-based): chr17:58,724,064, C>T. VCF-style: chr17-58724064-C-T. GRCh37 (hg19) VCF-style: chr17-56801425-C-T.
Other names: short protein forms T310I.
Identifiers: ClinVar variation 843155 (VCV000843155.10), dbSNP rs2049022193, ClinGen allele CA400361396.

ClinVar aggregate classification (germline): Uncertain significance. Review status: criteria provided, multiple submitters, no conflicts (2 of 4 stars). 2 submissions from 2 submitters: Uncertain significance (2). Last evaluated 2025-05-26.

Conditions:
Hereditary cancer-predisposing syndrome. Also called: Neoplastic Syndromes, Hereditary; Hereditary neoplastic syndrome; Tumor predisposition; Hereditary Cancer Syndrome. Identifiers: Orphanet 140162, MedGen C0027672, MeSH D009386, MONDO:0015356.
Fanconi anemia complementation group O. Also called: RAD51C-Related Fanconi Anemia. Identifiers: Orphanet 84, MedGen C3150653, MONDO:0013248, OMIM 613390.

Allele frequency attached by ClinVar (database versions not stated): gnomAD exomes below 0.00001; TOPMed below 0.00001.

Submissions (2):

Labcorp Genetics (formerly Invitae), Labcorp
Classification: Uncertain significance for Fanconi anemia complementation group O. Last evaluated: 2025-05-26. Review status: criteria provided, single submitter. Criteria: Invitae Variant Classification Sherloc (09022015). Collection method: clinical testing. Allele origin: germline.
Comment: This sequence change replaces threonine, which is neutral and polar, with isoleucine, which is neutral and non-polar, at codon 310 of the RAD51C protein (p.Thr310Ile). This variant is not present in population databases (gnomAD no frequency). This variant has not been reported in the literature in individuals affected with RAD51C-related conditions. ClinVar contains an entry for this variant (Variation ID: 843155). Invitae Evidence Modeling of protein sequence and biophysical properties (such as structural, functional, and spatial information, amino acid conservation, physicochemical variation, residue mobility, and thermodynamic stability) indicates that this missense variant is expected to disrupt RAD51C protein function with a positive predictive value of 80%. In summary, the available evidence is currently insufficient to determine the role of this variant in disease. Therefore, it has been classified as a Variant of Uncertain Significance.

Ambry Genetics
Classification: Uncertain significance for Hereditary cancer-predisposing syndrome. Last evaluated: 2023-12-18. Review status: criteria provided, single submitter. Criteria: Ambry Variant Classification Scheme 2023. Collection method: clinical testing. Allele origin: germline.
Comment: The p.T310I variant (also known as c.929C>T), located in coding exon 7 of the RAD51C gene, results from a C to T substitution at nucleotide position 929. The threonine at codon 310 is replaced by isoleucine, an amino acid with similar properties. This amino acid position is conserved. In addition, this alteration is predicted to be deleterious by in silico analysis. Since supporting evidence is limited at this time, the clinical significance of this alteration remains unclear.